The following is an entry in ClinVar:

NM_000256.3(MYBPC3):c.3079G>A (p.Asp1027Asn)

Gene: MYBPC3 (myosin binding protein C3; minus strand). Cytogenetic location: 11p11.2.
Variant type: single nucleotide variant.
Coding change: c.3079G>A on transcript NM_000256.3 (MANE Select); coding-DNA position 3079, G replaced by A.
Protein change: p.Asp1027Asn; replaces aspartic acid 1027 with asparagine.
Molecular consequence: missense variant.
Genome position (GRCh38, 1-based): chr11:47,333,668, C>T on the plus strand (G>A on the coding strand, the complement: MYBPC3 is on the minus strand). VCF-style: chr11-47333668-C-T. GRCh37 (hg19) VCF-style: chr11-47355219-C-T.
Other names: short protein forms D1027N.
Identifiers: ClinVar variation 2563084 (VCV002563084.2), dbSNP rs759102022, ClinGen allele CA380315286.

ClinVar aggregate classification (germline): Uncertain significance (1 of 4 stars; one submission).

Conditions:
Cardiovascular phenotype. Identifiers: MedGen CN230736.

gnomAD v4.1: 1 of 1,611,216 alleles (0.000062%); highest among the groups gnomAD compares: Non-Finnish European, 0.000085%; no homozygotes.

Submission:

Ambry Genetics
Classification: Uncertain significance for Cardiovascular phenotype. Last evaluated: 2023-04-08. Review status: criteria provided, single submitter. Criteria: Ambry Variant Classification Scheme 2023. Collection method: clinical testing. Allele origin: germline.
Comment: The p.D1027N variant (also known as c.3079G>A), located in coding exon 29 of the MYBPC3 gene, results from a G to A substitution at nucleotide position 3079. The aspartic acid at codon 1027 is replaced by asparagine, an amino acid with highly similar properties. This amino acid position is conserved. In addition, this alteration is predicted to be tolerated by in silico analysis. Since supporting evidence is limited at this time, the clinical significance of this alteration remains unclear.